The following is an entry in ClinVar:

NM_001377142.1(PLCB4):c.1462T>G (p.Ser488Ala)

Gene: PLCB4 (phospholipase C beta 4; plus strand). Cytogenetic location: 20p12.2.
Variant type: single nucleotide variant.
Coding change: c.1462T>G on transcript NM_001377142.1 (MANE Select); coding-DNA position 1462, T replaced by G.
Protein change: p.Ser488Ala; replaces serine 488 with alanine.
Molecular consequence: missense variant.
Genome position (GRCh38, 1-based): chr20:9,395,570, T>G. VCF-style: chr20-9395570-T-G. GRCh37 (hg19) VCF-style: chr20-9376217-T-G.
Other names: c.1462T>G, p.Ser488Ala (NM_000933.4, NM_001172646.2, NM_001377134.2 and 4 more transcripts); short protein forms S488A.
Identifiers: ClinVar variation 339563 (VCV000339563.5), dbSNP rs185740474, ClinGen allele CA9761107.

ClinVar aggregate classification (germline): Benign (1 of 4 stars; one submission).

Conditions:
Auriculocondylar syndrome 2 (ARCND2A). Also called: AURICULOCONDYLAR SYNDROME 2A. Identifiers: Orphanet 137888, MedGen C3553404, MONDO:0013845, OMIM 614669.

Allele frequency attached by ClinVar (database versions not stated): gnomAD 0.00004 and 0.00010; TOPMed 0.00004; gnomAD exomes 0.00014 and 0.00022; ExAC 0.00021; 1000 Genomes Project 30x 0.00047; 1000 Genomes Project 0.00060.
gnomAD v4.1: 329 of 1,613,824 alleles (0.02%); highest among the groups gnomAD compares: East Asian, 0.72%; 2 homozygotes.

Submission:

Illumina Laboratory Services, Illumina
Classification: Benign for Auriculocondylar syndrome 2. Last evaluated: 2018-01-13. Review status: criteria provided, single submitter. Criteria: ICSL Variant Classification Criteria 13 December 2019. Collection method: clinical testing. Allele origin: germline.
Comment: This variant was observed in the ICSL laboratory as part of a predisposition screen in an ostensibly healthy population. It had not been previously curated by ICSL or reported in the Human Gene Mutation Database (HGMD: prior to June 1st, 2018), and was therefore a candidate for classification through an automated scoring system. Utilizing variant allele frequency, disease prevalence and penetrance estimates, and inheritance mode, an automated score was calculated to assess if this variant is too frequent to cause the disease. Based on the score and internal cut-off values, a variant classified as benign is not then subjected to further curation. The score for this variant resulted in a classification of benign for this disease.